The following is an entry in ClinVar:

ClinVar aggregate classification (germline): Likely benign. Review status: criteria provided, single submitter (1 of 4 stars). 2 submissions from 2 submitters: Likely benign (1). 1 of the submissions does not count toward it. Last evaluated 2024-11-13.

Conditions:
MTO1-related disorder. Also called: MTO1-related condition.

Submissions (2):

Blueprint Genetics
Classification: Likely benign. Last evaluated: 2024-11-13. Review status: criteria provided, single submitter. Criteria: ACMG Guidelines, 2015. Collection method: clinical testing. Allele origin: germline.

PreventionGenetics, part of Exact Sciences
Classification: Likely benign for MTO1-related condition. Last evaluated: 2020-03-10. Review status: no assertion criteria provided. Collection method: clinical testing. Allele origin: germline. Not counted in ClinVar's aggregate classification.
Comment: This variant is classified as likely benign based on ACMG/AMP sequence variant interpretation guidelines (Richards et al. 2015 PMID: 25741868, with internal and published modifications).

NM_012123.4(MTO1):c.1260+180_1260+188del

Gene: MTO1 (mitochondrial tRNA translation optimization 1; plus strand). Cytogenetic location: 6q13.
Variant type: Deletion.
Coding change: c.1260+180_1260+188del on transcript NM_012123.4 (MANE Select); bases 180 to 188 of the intron after coding-DNA position 1260, 9 bases deleted (TTTTTTTTT; older notation c.1260+180_1260+188delTTTTTTTTT).
Molecular consequence: intron variant.
Genome position (GRCh38, 1-based): chr6:73,480,985-73,480,993, TTTTTTTTT deleted; deleting any 9 consecutive bases within chr6:73,480,970-73,480,993 gives the same sequence; the c. name uses the placement nearest the transcript's 3' end. VCF-style (leftmost placement, unchanged base first): chr6-73480969-GTTTTTTTTT-G. GRCh37 (hg19) VCF-style: chr6-74190692-GTTTTTTTTT-G.
Other names: c.1335+180_1335+188del (NM_133645.3); c.1261-12_1261-4del (NM_001123226.2).
Identifiers: ClinVar variation 3039836 (VCV003039836.3), dbSNP rs398001972, ClinGen allele CA827935966.